The following is an entry in ClinVar:

ClinVar aggregate classification (germline): Uncertain significance (1 of 4 stars; one submission).

Conditions:
Hereditary cancer-predisposing syndrome. Also called: Neoplastic Syndromes, Hereditary; Tumor predisposition; Hereditary Cancer Syndrome; Hereditary neoplastic syndrome. Identifiers: Orphanet 140162, MedGen C0027672, MeSH D009386, MONDO:0015356.

Submission:

Ambry Genetics
Classification: Uncertain significance for Hereditary cancer-predisposing syndrome. Last evaluated: 2020-02-12. Review status: criteria provided, single submitter. Criteria: Ambry Variant Classification Scheme 2023. Collection method: clinical testing. Allele origin: germline.
Comment: The p.L212M variant (also known as c.634C>A), located in coding exon 8 of the MUTYH gene, results from a C to A substitution at nucleotide position 634. The leucine at codon 212 is replaced by methionine, an amino acid with highly similar properties. This amino acid position is highly conserved in available vertebrate species. In addition, this alteration is predicted to be deleterious by in silico analysis. Since supporting evidence is limited at this time, the clinical significance of this alteration remains unclear.

NM_001048174.2(MUTYH):c.550C>A (p.Leu184Met)

Gene: MUTYH (mutY DNA glycosylase; minus strand). Cytogenetic location: 1p34.1.
Variant type: single nucleotide variant.
Coding change: c.550C>A on transcript NM_001048174.2 (MANE Select); coding-DNA position 550, C replaced by A.
Protein change: p.Leu184Met; replaces leucine 184 with methionine.
Molecular consequence: missense variant. On other transcripts: non-coding transcript variant (2).
Genome position (GRCh38, 1-based): chr1:45,332,630, G>T on the plus strand (C>A on the coding strand, the complement: MUTYH is on the minus strand). VCF-style: chr1-45332630-G-T. GRCh37 (hg19) VCF-style: chr1-45798302-G-T.
Other names: c.550C>A, p.Leu184Met (NM_001048171.2, NM_001048173.2, NM_001293195.2 and 6 more transcripts); c.553C>A, p.Leu185Met (NM_001048172.2, NM_001407071.1, NM_001407078.1 and 1 more transcripts); c.634C>A, p.Leu212Met (NM_001128425.2); c.595C>A, p.Leu199Met (NM_001293190.2); c.583C>A, p.Leu195Met (NM_001293191.2, NM_001407069.1, NM_001407077.1); c.274C>A, p.Leu92Met (NM_001293192.2, NM_001293196.2, NM_001407091.1); c.205C>A, p.Leu69Met (NM_001350650.2, NM_001350651.2, NM_001407082.1); c.466C>A, p.Leu156Met (NM_001407075.1); and 5 more; short protein forms L156M, L191M, L69M, L171M, L170M, L184M, L185M, L198M.
Identifiers: ClinVar variation 1752991 (VCV001752991.2), dbSNP rs1553128497, ClinGen allele CA340135359.
Genomic context (GRCh38, chr1:45,332,630, plus strand): 5'-TCACCTGGCCAAAGGCGATAGAGGCAATGGCCCCAGCTGTGTAGCGCCCCACGCCAGGCA[G>T]GAGCTGCTGCAGGGTCTCTGCTGTACGTGGCATGTGGCCCCCTAGCTCCTCTACCACCTG-3'
Protein context (NP_001041639.1, residues 174-194): PRTAETLQQL[Leu184Met]PGVGRYTAGA